The following is an entry in ClinVar:

NM_000083.3(CLCN1):c.2576G>A (p.Gly859Asp)

Gene: CLCN1 (chloride voltage-gated channel 1; plus strand). Cytogenetic location: 7q34.
Variant type: single nucleotide variant.
Coding change: c.2576G>A on transcript NM_000083.3 (MANE Select); coding-DNA position 2576, G replaced by A.
Protein change: p.Gly859Asp; replaces glycine 859 with aspartic acid.
Molecular consequence: missense variant. On other transcripts: non-coding transcript variant (1).
Genome position (GRCh38, 1-based): chr7:143,350,635, G>A. VCF-style: chr7-143350635-G-A. GRCh37 (hg19) VCF-style: chr7-143047728-G-A.
Other names: short protein forms G859D.
Identifiers: ClinVar variation 3339995 (VCV003339995.2).
Genomic context (GRCh38, chr7:143,350,635, plus strand): 5'-CCCTGTTTTCACTCCTTGGCCTCCACCTCGCTTACGTGACCAGCATGGGGAAGCTCAGGG[G>A]CGTCCTGGCCCTGGAGGAGGTAATCACGATGTGTCCCATTTGAGCAGCAGGAGGGAGGCT-3'
Protein context (NP_000074.3, residues 849-869): AYVTSMGKLR[Gly859Asp]VLALEELQKA

ClinVar aggregate classification (germline): Likely pathogenic. Review status: criteria provided, multiple submitters, no conflicts (2 of 4 stars). 2 submissions from 2 submitters: Likely pathogenic (2). Last evaluated 2024-06-20.

Conditions:
Congenital myotonia, autosomal recessive form. Also called: BECKER DISEASE; Becker Generalized Myotonia; myotonia congenita, autosomal recessive. Identifiers: Orphanet 614, MedGen C0751360, MONDO:0009715, OMIM 255700.
Congenital myotonia, autosomal dominant form (THD). Also called: THOMSEN DISEASE; Myotonia congenita autosomal dominant. Identifiers: Orphanet 614, MedGen C2936781, MONDO:0008055, OMIM 160800.

gnomAD v4.1: 1 of 1,614,086 alleles (0.000062%); highest among the groups gnomAD compares: Non-Finnish European, 0.000085%; no homozygotes.

Submissions (2):

Fulgent Genetics
Classification: Likely pathogenic for Congenital myotonia, autosomal dominant form; Congenital myotonia, autosomal recessive form. Last evaluated: 2024-06-20. Review status: criteria provided, single submitter. Criteria: ACMG Guidelines, 2015. Collection method: clinical testing. Allele origin: germline.

Women's Health and Genetics/Laboratory Corporation of America, LabCorp
Classification: Likely pathogenic for Congenital myotonia, autosomal recessive form. Last evaluated: 2024-06-17. Review status: criteria provided, single submitter. Criteria: LabCorp Variant Classification Summary - May 2015. Collection method: clinical testing. Allele origin: germline.
Comment: Variant summary: CLCN1 c.2576G>A (p.Gly859Asp) results in a non-conservative amino acid change located in the CBS2 domain (UniProt) of the encoded protein sequence. Five of five in-silico tools predict a damaging effect of the variant on protein function. The variant was absent in 251420 control chromosomes (gnomAD). c.2576G>A has been reported in the literature in at least two individuals affected with Myotonia congenita (e.g. Deymeer_1998, Deymeer_1999 and Liu_2015), although in one of these patients the variant occurred in heterozygous state together in cis with another potentially pathogenic variant, and incomplete penetrance was also noted in this family (Liu_2015). These data indicate that the variant may be associated with disease. At least one publication reports experimental evidence evaluating an impact on protein function and demonstrated that the variant likely disrupts the protein structure resulting in poor expression or nonfunctional channels (Bennetts_2005). The following publications have been ascertained in the context of this evaluation (PMID: 9736066, 9883868, 26260254, 16027167). No submitters have cited clinical-significance assessments for this variant to ClinVar. In addition, p.Gly859Val also has been shown to affect protein function (PMID: 29935101). Based on the evidence outlined above, the variant was classified as likely pathogenic.

Literature cited by the submitters: PubMed 26260254 (cited by Women's Health and Genetics/Laboratory Corporation of America, LabCorp); PubMed 16027167 (cited by Women's Health and Genetics/Laboratory Corporation of America, LabCorp); PubMed 9736066 (cited by Women's Health and Genetics/Laboratory Corporation of America, LabCorp); PubMed 9883868 (cited by Women's Health and Genetics/Laboratory Corporation of America, LabCorp).